The following is an entry in ClinVar:

ClinVar aggregate classification (germline): Conflicting classifications of pathogenicity. Review status: criteria provided, conflicting classifications (1 of 4 stars). 3 submissions from 3 submitters: Uncertain significance (1); Likely benign (1). 1 of the submissions does not count toward it. Last evaluated 2025-08-31.

Conditions:
CDK5RAP2-related disorder. Also called: CDK5RAP2-related condition.

Allele frequency attached by ClinVar (database versions not stated): gnomAD exomes 0.00007 and 0.00028; TOPMed 0.00018; ExAC 0.00027; 1000 Genomes Project 30x 0.00047; 1000 Genomes Project 0.00060.
gnomAD v4.1: 124 of 1,614,024 alleles (0.0077%); highest among the groups gnomAD compares: East Asian, 0.22%; no homozygotes.

Submissions (3):

Labcorp Genetics (formerly Invitae), Labcorp
Classification: Likely benign. Last evaluated: 2025-08-31. Review status: criteria provided, single submitter. Criteria: Invitae Variant Classification Sherloc (09022015). Collection method: clinical testing. Allele origin: germline.

Blueprint Genetics
Classification: Uncertain significance. Last evaluated: 2024-09-05. Review status: criteria provided, single submitter. Criteria: ACMG Guidelines, 2015. Collection method: clinical testing. Allele origin: germline.

PreventionGenetics, part of Exact Sciences
Classification: Likely benign for CDK5RAP2-related condition. Last evaluated: 2022-11-05. Review status: no assertion criteria provided. Collection method: clinical testing. Allele origin: germline. Not counted in ClinVar's aggregate classification.
Comment: This variant is classified as likely benign based on ACMG/AMP sequence variant interpretation guidelines (Richards et al. 2015 PMID: 25741868, with internal and published modifications).

NM_018249.6(CDK5RAP2):c.5295G>C (p.Glu1765Asp)

Gene: CDK5RAP2 (CDK5 regulatory subunit associated protein 2; minus strand). Cytogenetic location: 9q33.2.
Variant type: single nucleotide variant.
Coding change: c.5295G>C on transcript NM_018249.6 (MANE Select); coding-DNA position 5295, G replaced by C.
Protein change: p.Glu1765Asp; replaces glutamic acid 1765 with aspartic acid.
Molecular consequence: missense variant. On other transcripts: non-coding transcript variant (5).
Genome position (GRCh38, 1-based): chr9:120,402,818, C>G on the plus strand (G>C on the coding strand, the complement: CDK5RAP2 is on the minus strand). VCF-style: chr9-120402818-C-G. GRCh37 (hg19) VCF-style: chr9-123165096-C-G.
Other names: c.5058G>C, p.Glu1686Asp (NM_001011649.3); c.4605G>C, p.Glu1535Asp (NM_001272039.2); short protein forms E1765D, E1535D, E1686D.
Identifiers: ClinVar variation 739222 (VCV000739222.12), dbSNP rs199918999, ClinGen allele CA5213328.
Genomic context (GRCh38, chr9:120,402,818, plus strand): 5'-ACACTCCCAGGGAGCAGCTTGTGCCCCCCAGCTCTGTGGTCAGGTTACCTTTGTTCCCAG[C>G]TCTTGACTTGTGGAGCTGGGAGCCTCTTGGGTTTGAATGTCCATTTCAGCAAGGAGCCTC-3'
Protein context (NP_060719.4, residues 1755-1775): TQEAPSSTSQ[Glu1765Asp]LGTKGPHPAP